The following is an entry in ClinVar:

ClinVar aggregate classification (germline): Uncertain significance (1 of 4 stars; one submission).

Conditions:
Hereditary spastic paraplegia 47. Also called: CEREBRAL PALSY, SPASTIC QUADRIPLEGIC, 5; adaptor protein 4 (AP-4) deficiency syndrome; Spastic paraplegia 47, autosomal recessive. Identifiers: Orphanet 280763, MedGen C3279738, MONDO:0013551, OMIM 614066.

Allele frequency attached by ClinVar (database versions not stated): gnomAD exomes 0.00001; ExAC 0.00002; gnomAD 0.00002; TOPMed 0.00002; ESP Exome Variant Server 0.00015.

Submission:

Labcorp Genetics (formerly Invitae), Labcorp
Classification: Uncertain significance for Hereditary spastic paraplegia 47. Last evaluated: 2021-12-23. Review status: criteria provided, single submitter. Criteria: Invitae Variant Classification Sherloc (09022015). Collection method: clinical testing. Allele origin: germline.
Comment: This variant has not been reported in the literature in individuals affected with AP4B1-related conditions. In summary, the available evidence is currently insufficient to determine the role of this variant in disease. Therefore, it has been classified as a Variant of Uncertain Significance. Algorithms developed to predict the effect of missense changes on protein structure and function (SIFT, PolyPhen-2, Align-GVGD) all suggest that this variant is likely to be disruptive. This variant is present in population databases (rs370182287, gnomAD 0.003%). This sequence change replaces arginine, which is basic and polar, with cysteine, which is neutral and slightly polar, at codon 482 of the AP4B1 protein (p.Arg482Cys).

NM_001253852.3(AP4B1):c.1444C>T (p.Arg482Cys)

Genes: AP4B1 (adaptor related protein complex 4 subunit beta 1; minus strand), AP4B1-AS1 (AP4B1 antisense RNA 1; plus strand). Cytogenetic location: 1p13.2.
Variant type: single nucleotide variant.
Coding change: c.1444C>T on transcript NM_001253852.3 (MANE Select); coding-DNA position 1444, C replaced by T.
Protein change: p.Arg482Cys; replaces arginine 482 with cysteine.
Molecular consequence: missense variant.
Genome position (GRCh38, 1-based): chr1:113,896,324, G>A on the plus strand (C>T on the coding strand, the complement: AP4B1 is on the minus strand). VCF-style: chr1-113896324-G-A. GRCh37 (hg19) VCF-style: chr1-114438946-G-A.
Other names: c.1147C>T, p.Arg383Cys (NM_001253853.3); c.940C>T, p.Arg314Cys (NM_001308312.2); c.1444C>T, p.Arg482Cys (NM_006594.5); short protein forms R314C, R383C, R482C.
Identifiers: ClinVar variation 1915660 (VCV001915660.5), dbSNP rs370182287, ClinGen allele CA1015794.